The following is an entry in ClinVar:

ClinVar aggregate classification (germline): Uncertain significance (1 of 4 stars; one submission).

Conditions:
Hereditary cancer-predisposing syndrome. Also called: Neoplastic Syndromes, Hereditary; Tumor predisposition; Hereditary neoplastic syndrome; Hereditary Cancer Syndrome. Identifiers: Orphanet 140162, MedGen C0027672, MeSH D009386, MONDO:0015356.
Cardiovascular phenotype. Identifiers: MedGen CN230736.

Submission:

Ambry Genetics
Classification: Uncertain significance for Cardiovascular phenotype; Hereditary cancer-predisposing syndrome. Last evaluated: 2023-05-05. Review status: criteria provided, single submitter. Criteria: Ambry Variant Classification Scheme 2023. Collection method: clinical testing. Allele origin: germline.
Comment: The p.R2562M variant (also known as c.7685G>T), located in coding exon 52 of the NF1 gene, results from a G to T substitution at nucleotide position 7685. The arginine at codon 2562 is replaced by methionine, an amino acid with similar properties. This amino acid position is highly conserved in available vertebrate species. In addition, the in silico prediction for this alteration is inconclusive. Since supporting evidence is limited at this time, the clinical significance of this alteration remains unclear.

NM_001042492.3(NF1):c.7748G>T (p.Arg2583Met)

Gene: NF1 (neurofibromin 1; plus strand). Cytogenetic location: 17q11.2.
Variant type: single nucleotide variant.
Coding change: c.7748G>T on transcript NM_001042492.3 (MANE Select); coding-DNA position 7748, G replaced by T.
Protein change: p.Arg2583Met; replaces arginine 2583 with methionine.
Molecular consequence: missense variant.
Genome position (GRCh38, 1-based): chr17:31,356,969, G>T. VCF-style: chr17-31356969-G-T. GRCh37 (hg19) VCF-style: chr17-29683987-G-T.
Other names: c.7685G>T, p.Arg2562Met (NM_000267.4); short protein forms R2562M, R2583M.
Identifiers: ClinVar variation 3237952 (VCV003237952.1), dbSNP rs2151582191.